The following is an entry in ClinVar:

NM_001366385.1(CARD14):c.1978+2T>C

Genes: SGSH (N-sulfoglucosamine sulfohydrolase; minus strand), CARD14 (caspase recruitment domain family member 14; plus strand). Cytogenetic location: 17q25.3.
Variant type: single nucleotide variant.
Coding change: c.1978+2T>C on transcript NM_001366385.1 (MANE Select); the canonical splice donor site of the intron after coding-DNA position 1978, T replaced by C.
Molecular consequence: splice donor variant.
Genome position (GRCh38, 1-based): chr17:80,201,872, T>C. VCF-style: chr17-80201872-T-C. GRCh37 (hg19) VCF-style: chr17-78175671-T-C.
Other names: c.1978+2T>C (NM_024110.4, NM_001257970.1).
Identifiers: ClinVar variation 2929525 (VCV002929525.3), dbSNP rs763220303, ClinGen allele CA8817131.

ClinVar aggregate classification (germline): Uncertain significance (1 of 4 stars; one submission).

Conditions:
Pityriasis rubra pilaris (PRP). Also called: Pityriasis rubra pilaris--familial type. Identifiers: Orphanet 2897, MedGen C0032027, MONDO:0100017, OMIM 173200, MONDO:0008251.
Psoriasis 2. Identifiers: MedGen C1864497, MONDO:0011269, OMIM 602723.

Allele frequency attached by ClinVar (database versions not stated): gnomAD exomes below 0.00001; ExAC 0.00002; gnomAD 0.00005; TOPMed 0.00006.
gnomAD v4.1: 9 of 1,609,626 alleles (0.00056%); highest among the groups gnomAD compares: African/African-American, 0.0094%; no homozygotes.

Submission:

Labcorp Genetics (formerly Invitae), Labcorp
Classification: Uncertain significance for Pityriasis rubra pilaris; Psoriasis 2. Last evaluated: 2024-11-09. Review status: criteria provided, single submitter. Criteria: Invitae Variant Classification Sherloc (09022015). Collection method: clinical testing. Allele origin: germline.
Comment: This sequence change affects a donor splice site in intron 14 of the CARD14 gene. It is expected to disrupt RNA splicing. Variants that disrupt the donor or acceptor splice site typically lead to a loss of protein function (PMID: 16199547), however the current clinical and genetic evidence is not sufficient to establish whether loss-of-function variants in CARD14 cause disease. This variant is present in population databases (rs763220303, gnomAD 0.007%). This variant has not been reported in the literature in individuals affected with CARD14-related conditions. ClinVar contains an entry for this variant (Variation ID: 2929525). Algorithms developed to predict the effect of sequence changes on RNA splicing suggest that this variant may disrupt the consensus splice site. In summary, the available evidence is currently insufficient to determine the role of this variant in disease. Therefore, it has been classified as a Variant of Uncertain Significance.

Literature cited by the submitters: PubMed 16199547.